The following is an entry in ClinVar:

NM_000814.6(GABRB3):c.440G>A (p.Gly147Glu)

Gene: GABRB3 (gamma-aminobutyric acid type A receptor subunit beta3; minus strand). Cytogenetic location: 15q12.
Variant type: single nucleotide variant.
Coding change: c.440G>A on transcript NM_000814.6 (MANE Select); coding-DNA position 440, G replaced by A.
Protein change: p.Gly147Glu; replaces glycine 147 with glutamic acid.
Molecular consequence: missense variant. On other transcripts: non-coding transcript variant (1).
Genome position (GRCh38, 1-based): chr15:26,621,335, C>T on the plus strand (G>A on the coding strand, the complement: GABRB3 is on the minus strand). VCF-style: chr15-26621335-C-T. GRCh37 (hg19) VCF-style: chr15-26866482-C-T.
Other names: c.185G>A, p.Gly62Glu (NM_001191320.2, NM_001278631.2); c.227G>A, p.Gly76Glu (NM_001191321.3); c.440G>A, p.Gly147Glu (NM_021912.5); short protein forms G147E, G62E, G76E.
Identifiers: ClinVar variation 3026599 (VCV003026599.22), dbSNP rs2504328853, ClinGen allele CA391460661.

ClinVar aggregate classification (germline): Uncertain significance (1 of 4 stars; one submission).

Submission:

CeGaT Center for Human Genetics Tuebingen
Classification: Uncertain significance. Last evaluated: 2023-12-01. Review status: criteria provided, single submitter. Criteria: CeGaT Center For Human Genetics Tuebingen Variant Classification Criteria Version 2. Collection method: clinical testing. Allele origin: germline. Affected: yes. Observed: 1 variant allele.
Comment: GABRB3: PM2, PP2, PP3